The following is an entry in ClinVar:

ClinVar aggregate classification (germline): Uncertain significance (1 of 4 stars; one submission).

Conditions:
USP9X-related disorder. Also called: USP9X-related condition.

Submission:

PreventionGenetics, part of Exact Sciences
Classification: Uncertain significance for USP9X-related condition. Last evaluated: 2022-08-31. Review status: criteria provided, single submitter. Criteria: ACMG Guidelines, 2015. Collection method: clinical testing. Allele origin: germline.
Comment: The USP9X c.6755A>G variant is predicted to result in the amino acid substitution p.Asn2252Ser. To our knowledge, this variant has not been reported in the literature or in a large population database, indicating this variant is rare. At this time, the clinical significance of this variant is uncertain due to the absence of conclusive functional and genetic evidence.

NM_001039591.3(USP9X):c.6755A>G (p.Asn2252Ser)

Gene: USP9X (ubiquitin specific peptidase 9 X-linked; plus strand). Cytogenetic location: Xp11.4.
Variant type: single nucleotide variant.
Coding change: c.6755A>G on transcript NM_001039591.3 (MANE Select); coding-DNA position 6755, A replaced by G.
Protein change: p.Asn2252Ser; replaces asparagine 2252 with serine.
Molecular consequence: missense variant.
Genome position (GRCh38, 1-based): chrX:41,224,745, A>G. VCF-style: chrX-41224745-A-G. GRCh37 (hg19) VCF-style: chrX-41083998-A-G.
Other names: c.6755A>G, p.Asn2252Ser (NM_001039590.3); c.6770A>G, p.Asn2257Ser (NM_001410748.1, NM_001410749.1); short protein forms N2252S, N2257S.
Identifiers: ClinVar variation 2636275 (VCV002636275.1), dbSNP rs2519399295, ClinGen allele CA412749773.
Genomic context (GRCh38, chrX:41,224,745, plus strand): 5'-TATTATTATTGTGAAGAAGCTTATTAGTTTTTTATTGGTGACAAATCTGTATTCTAGGTA[A>G]TCCTCCTCTTCCCAATCCTTTTGGTGATCCTAATTTATCACAACCTATAATGCCAATTCA-3'
Protein context (NP_001034680.2, residues 2242-2262): SSRMQSSING[Asn2252Ser]PPLPNPFGDP